The following is an entry in ClinVar:

ClinVar aggregate classification (germline): Uncertain significance. Review status: criteria provided, multiple submitters, no conflicts (2 of 4 stars). 2 submissions from 2 submitters: Uncertain significance (2). Last evaluated 2024-12-17.

Allele frequency attached by ClinVar (database versions not stated): TOPMed 0.00001.

Submissions (2):

Labcorp Genetics (formerly Invitae), Labcorp
Classification: Uncertain significance. Last evaluated: 2024-12-17. Review status: criteria provided, single submitter. Criteria: Invitae Variant Classification Sherloc (09022015). Collection method: clinical testing. Allele origin: germline.
Comment: This sequence change replaces cysteine, which is neutral and slightly polar, with phenylalanine, which is neutral and non-polar, at codon 159 of the AUTS2 protein (p.Cys159Phe). This variant is not present in population databases (gnomAD no frequency). This variant has not been reported in the literature in individuals affected with AUTS2-related conditions. ClinVar contains an entry for this variant (Variation ID: 2501919). An algorithm developed to predict the effect of missense changes on protein structure and function (PolyPhen-2) suggests that this variant is likely to be disruptive. In summary, the available evidence is currently insufficient to determine the role of this variant in disease. Therefore, it has been classified as a Variant of Uncertain Significance.

GeneDx
Classification: Uncertain significance. Last evaluated: 2022-11-14. Review status: criteria provided, single submitter. Criteria: GeneDx Variant Classification Process June 2021. Collection method: clinical testing. Allele origin: germline. Affected: yes.
Comment: Not observed at significant frequency in large population cohorts (gnomAD); In silico analysis supports that this missense variant has a deleterious effect on protein structure/function; Has not been previously published as pathogenic or benign to our knowledge

NM_015570.4(AUTS2):c.476G>T (p.Cys159Phe)

Gene: AUTS2 (activator of transcription and developmental regulator AUTS2; plus strand). Cytogenetic location: 7q11.22.
Variant type: single nucleotide variant.
Coding change: c.476G>T on transcript NM_015570.4 (MANE Select); coding-DNA position 476, G replaced by T.
Protein change: p.Cys159Phe; replaces cysteine 159 with phenylalanine.
Molecular consequence: missense variant.
Genome position (GRCh38, 1-based): chr7:69,899,452, G>T. VCF-style: chr7-69899452-G-T. GRCh37 (hg19) VCF-style: chr7-69364438-G-T.
Other names: c.476G>T, p.Cys159Phe (NM_001127231.3, NM_001127232.3); short protein forms C159F.
Identifiers: ClinVar variation 2501919 (VCV002501919.3), dbSNP rs1794881758, ClinGen allele CA367703680.